The following is an entry in ClinVar:

ClinVar aggregate classification (germline): Conflicting classifications of pathogenicity. Review status: criteria provided, conflicting classifications (1 of 4 stars). 3 submissions from 2 submitters: Uncertain significance (2); Likely benign (1). Last evaluated 2024-12-31.

Conditions:
TTC8-related disorder. Also called: TTC8-related condition.
Retinitis pigmentosa (RP). Identifiers: Orphanet 791, MedGen C0035334, MeSH D012174, MONDO:0019200, OMIM 268000. Inheritance: Autosomal dominant, autosomal recessive and X linked inheritance.
Bardet-Biedl syndrome 8 (BBS8). Identifiers: Orphanet 110, MedGen C1859566, MONDO:0014436, OMIM 615985.

gnomAD v4.1: 3 of 1,529,276 alleles (0.0002%); highest among the groups gnomAD compares: Non-Finnish European, 0.00027%; no homozygotes.

Submissions (3):

PreventionGenetics, part of Exact Sciences
Classification: Likely benign for TTC8-related condition. Last evaluated: 2024-12-31. Review status: criteria provided, single submitter. Criteria: ACMG Guidelines, 2015. Collection method: clinical testing. Allele origin: germline.
Comment: This variant is classified as likely benign based on ACMG/AMP sequence variant interpretation guidelines (Richards et al. 2015 PMID: 25741868, with internal and published modifications).

Illumina Laboratory Services, Illumina
Classification: Uncertain significance for Retinitis pigmentosa. Last evaluated: 2018-01-13. Review status: criteria provided, single submitter. Criteria: ICSL Variant Classification Criteria 13 December 2019. Collection method: clinical testing. Allele origin: germline.

Illumina Laboratory Services, Illumina
Classification: Uncertain significance for Bardet-Biedl syndrome 8. Last evaluated: 2018-01-13. Review status: criteria provided, single submitter. Criteria: ICSL Variant Classification Criteria 13 December 2019. Collection method: clinical testing. Allele origin: germline.

NM_144596.4(TTC8):c.-38C>A

Gene: TTC8 (tetratricopeptide repeat domain 8; plus strand). Cytogenetic location: 14q31.3.
Variant type: single nucleotide variant.
Coding change: c.-38C>A on transcript NM_144596.4 (MANE Select); 38 bases upstream of the start codon, C replaced by A.
Molecular consequence: 5 prime UTR variant. On other transcripts: non-coding transcript variant (1).
Genome position (GRCh38, 1-based): chr14:88,824,670, C>A. VCF-style: chr14-88824670-C-A. GRCh37 (hg19) VCF-style: chr14-89291014-C-A.
Other names: c.-38C>A (NM_001288781.1, NM_001366535.2, NM_001366536.2 and 3 more transcripts); c.-600C>A (NM_001288782.1); c.-695C>A (NM_001288783.1).
Identifiers: ClinVar variation 314796 (VCV000314796.6), dbSNP rs886050876, ClinGen allele CA10641212.
Genomic context (GRCh38, chr14:88,824,670, plus strand): 5'-GTCGCGGGTTGCCGGGCAGAGTCGGACGCCGCCAGCTCTTCACTCCACGCCCACCTCTCT[C>A]CTGGAGCGCTGGGCCTTCGCTGGCCGCACCGGCAGCCATGAGCTCGGAGATGGAGCCGCT-3'